The following is an entry in ClinVar:

NM_005677.4(COLQ):c.955-2A>C

Gene: COLQ (collagen like tail subunit of asymmetric acetylcholinesterase; minus strand). Cytogenetic location: 3p25.1.
Variant type: single nucleotide variant.
Coding change: c.955-2A>C on transcript NM_005677.4 (MANE Select); the canonical splice acceptor site of the intron before coding-DNA position 955, A replaced by C.
Molecular consequence: splice acceptor variant.
Genome position (GRCh38, 1-based): chr3:15,456,581, T>G on the plus strand (A>C on the coding strand, the complement: COLQ is on the minus strand). VCF-style: chr3-15456581-T-G. GRCh37 (hg19) VCF-style: chr3-15498088-T-G.
Other names: c.853-2A>C (NM_080539.4); c.925-2A>C (NM_080538.2); c.955-2A>C (NM_005677.3).
Identifiers: ClinVar variation 2671287 (VCV002671287.5), dbSNP rs1172409117, ClinGen allele CA351597143.

ClinVar aggregate classification (germline): Pathogenic/Likely pathogenic. Review status: criteria provided, multiple submitters, no conflicts (2 of 4 stars). 4 submissions from 4 submitters: Pathogenic (2); Likely pathogenic (2). Last evaluated 2024-05-16.

Conditions:
Congenital myasthenic syndrome 5. Identifiers: Orphanet 590, MedGen C1864233, MONDO:0011281, OMIM 603034.

Submissions (4):

Fulgent Genetics
Classification: Likely pathogenic for Congenital myasthenic syndrome 5. Last evaluated: 2024-05-16. Review status: criteria provided, single submitter. Criteria: ACMG Guidelines, 2015. Collection method: clinical testing. Allele origin: germline.

Athena Diagnostics
Classification: Pathogenic. Last evaluated: 2024-02-27. Review status: criteria provided, single submitter. Criteria: Athena Diagnostics Criteria. Collection method: clinical testing. Allele origin: unknown.
Comment: This variant is expected to maintain the transcript reading frame, however, it may still disrupt protein function. This variant has not been reported in large, multi-ethnic general populations. This variant segregates with disease in at least one family.

Baylor Genetics
Classification: Pathogenic for Congenital myasthenic syndrome 5. Last evaluated: 2024-02-08. Review status: criteria provided, single submitter. Criteria: ACMG Guidelines, 2015. Collection method: clinical testing. Allele origin: unknown.

Neuberg Centre For Genomic Medicine, NCGM
Classification: Likely pathogenic for Congenital myasthenic syndrome 5. Last evaluated: 2023-03-01. Review status: criteria provided, single submitter. Criteria: ACMG Guidelines, 2015. Collection method: clinical testing. Allele origin: germline. Inheritance: Autosomal recessive inheritance. Affected: yes.
Comment: The invariant splice acceptor c.955-2A>C variant in COLQ gene has not been reported previously as a pathogenic variant nor a benign variant, to our knowledge. The c.955-2A>C variant is novel (not in any individuals) in gnomAD Exomes and 1000 Genomes. This variant has not been reported to the ClinVar database. Loss of function variants have been previously reported to be disease causing. For these reasons, this variant has been classified as Likely Pathogenic.

Literature cited by the submitters: PubMed 37646703 (cited by Athena Diagnostics); PubMed 27848944 (cited by Athena Diagnostics).